The following is an entry in ClinVar:

NM_001042545.2(LTBP4):c.3817G>A (p.Glu1273Lys)

Gene: LTBP4 (latent transforming growth factor beta binding protein 4; plus strand). Cytogenetic location: 19q13.2.
Variant type: single nucleotide variant.
Coding change: c.3817G>A on transcript NM_001042545.2 (MANE Select); coding-DNA position 3817, G replaced by A.
Protein change: p.Glu1273Lys; replaces glutamic acid 1273 with lysine.
Molecular consequence: missense variant.
Genome position (GRCh38, 1-based): chr19:40,624,067, G>A. VCF-style: chr19-40624067-G-A. GRCh37 (hg19) VCF-style: chr19-41129972-G-A.
Other names: c.4018G>A, p.Glu1340Lys (NM_001042544.1); c.3907G>A, p.Glu1303Lys (NM_003573.2); short protein forms E1273K, E1303K, E1340K.
Identifiers: ClinVar variation 3898120 (VCV003898120.7).

ClinVar aggregate classification (germline): Uncertain significance (1 of 4 stars; one submission).

gnomAD v4.1: 8 of 1,571,152 alleles (0.00051%); highest among the groups gnomAD compares: East Asian, 0.0023%; no homozygotes.

Submission:

CeGaT Center for Human Genetics Tuebingen
Classification: Uncertain significance. Last evaluated: 2025-04-01. Review status: criteria provided, single submitter. Criteria: CeGaT Center For Human Genetics Tuebingen Variant Classification Criteria Version 2. Collection method: clinical testing. Allele origin: germline. Affected: yes. Observed: 1 variant allele.
Comment: LTBP4: PM2